The following is an entry in ClinVar:

NM_001048174.2(MUTYH):c.554C>T (p.Pro185Leu)

Gene: MUTYH (mutY DNA glycosylase; minus strand). Cytogenetic location: 1p34.1.
Variant type: single nucleotide variant.
Coding change: c.554C>T on transcript NM_001048174.2 (MANE Select); coding-DNA position 554, C replaced by T.
Protein change: p.Pro185Leu; replaces proline 185 with leucine.
Molecular consequence: missense variant. On other transcripts: non-coding transcript variant (2).
Genome position (GRCh38, 1-based): chr1:45,332,626, G>A on the plus strand (C>T on the coding strand, the complement: MUTYH is on the minus strand). VCF-style: chr1-45332626-G-A. GRCh37 (hg19) VCF-style: chr1-45798298-G-A.
Other names: c.554C>T, p.Pro185Leu (NM_001048171.2, NM_001048173.2, NM_001293195.2); c.557C>T, p.Pro186Leu (NM_001048172.2); c.638C>T, p.Pro213Leu (NM_001128425.2); c.599C>T, p.Pro200Leu (NM_001293190.2); c.587C>T, p.Pro196Leu (NM_001293191.2); c.278C>T, p.Pro93Leu (NM_001293192.2, NM_001293196.2); c.209C>T, p.Pro70Leu (NM_001350650.2, NM_001350651.2); c.629C>T, p.Pro210Leu (NM_012222.3); short protein forms P213L, P186L, P196L, P185L, P210L, P200L, P70L, P93L.
Identifiers: ClinVar variation 1045373 (VCV001045373.8), dbSNP rs1645143512, ClinGen allele CA340135349.
Genomic context (GRCh38, chr1:45,332,626, plus strand): 5'-GAGATCACCTGGCCAAAGGCGATAGAGGCAATGGCCCCAGCTGTGTAGCGCCCCACGCCA[G>A]GCAGGAGCTGCTGCAGGGTCTCTGCTGTACGTGGCATGTGGCCCCCTAGCTCCTCTACCA-3'
Protein context (NP_001041639.1, residues 175-195): RTAETLQQLL[Pro185Leu]GVGRYTAGAI

ClinVar aggregate classification (germline): Uncertain significance (1 of 4 stars; one submission).

Conditions:
Familial adenomatous polyposis 2. Also called: Adenomas, multiple colorectal; MUTYH Polyposis; COLORECTAL ADENOMATOUS POLYPOSIS, AUTOSOMAL RECESSIVE; ADENOMAS, MULTIPLE COLORECTAL, AUTOSOMAL RECESSIVE; FAP type 2; MUTYH-associated polyposis. Identifiers: Orphanet 220460, Orphanet 247798, MedGen C3272841, MONDO:0012041, OMIM 608456.

Allele frequency attached by ClinVar (database versions not stated): gnomAD 0.00001; TOPMed below 0.00001.
gnomAD v4.1: 1 of 1,614,056 alleles (0.000062%); highest among the groups gnomAD compares: Non-Finnish European, 0.000085%; no homozygotes.

Submission:

Labcorp Genetics (formerly Invitae), Labcorp
Classification: Uncertain significance for Familial adenomatous polyposis 2. Last evaluated: 2020-07-25. Review status: criteria provided, single submitter. Criteria: Invitae Variant Classification Sherloc (09022015). Collection method: clinical testing. Allele origin: germline.
Comment: In summary, the available evidence is currently insufficient to determine the role of this variant in disease. Therefore, it has been classified as a Variant of Uncertain Significance. Algorithms developed to predict the effect of missense changes on protein structure and function (SIFT, PolyPhen-2, Align-GVGD) all suggest that this variant is likely to be disruptive, but these predictions have not been confirmed by published functional studies and their clinical significance is uncertain. This variant has not been reported in the literature in individuals with MUTYH-related conditions. This variant is not present in population databases (ExAC no frequency). This sequence change replaces proline with leucine at codon 213 of the MUTYH protein (p.Pro213Leu). The proline residue is highly conserved and there is a moderate physicochemical difference between proline and leucine.